The following is an entry in ClinVar:

NC_000009.12:g.(?_130664644)_(131523116_?)dup

Genes: EXOSC2 (exosome component 2; plus strand), ABL1 (ABL proto-oncogene 1, non-receptor tyrosine kinase; plus strand), AIF1L (allograft inflammatory factor 1 like; plus strand), FAM78A (family with sequence similarity 78 member A; minus strand), FIBCD1 (fibrinogen C domain containing 1; minus strand) and 7 more. Cytogenetic location: 9q34.12-34.13.
Variant type: Duplication.
Identifiers: ClinVar variation 830950 (VCV000830950.1).

ClinVar aggregate classification (germline): Uncertain significance (1 of 4 stars; one submission).

Conditions:
Walker-Warburg congenital muscular dystrophy. Also called: Muscular dystrophy-dystroglycanopathy, type A; Walker-Warburg syndrome. Identifiers: Orphanet 899, MedGen C0265221, MONDO:0000171.
Autosomal recessive limb-girdle muscular dystrophy type 2K. Also called: MUSCULAR DYSTROPHY, LIMB-GIRDLE, TYPE 2K; MUSCULAR DYSTROPHY-DYSTROGLYCANOPATHY (LIMB-GIRDLE), TYPE C, 1. Identifiers: Orphanet 86812, MedGen C1836373, MONDO:0012248, OMIM 609308.
Muscular dystrophy-dystroglycanopathy (congenital with impaired intellectual development), type B, 1. Also called: MUSCULAR DYSTROPHY, CONGENITAL, POMT1-RELATED; Muscular dystrophy-dystroglycanopathy (congenital with intellectual disability), type B1. Identifiers: MedGen C5436962, MONDO:0013159, OMIM 613155.

Submission:

Labcorp Genetics (formerly Invitae), Labcorp
Classification: Uncertain significance for Congenital muscular dystrophy-dystroglycanopathy with mental retardation, type B1; Walker-Warburg congenital muscular dystrophy; Limb-girdle muscular dystrophy-dystroglycanopathy, type C1. Last evaluated: 2019-09-16. Review status: criteria provided, single submitter. Criteria: Invitae Variant Classification Sherloc (09022015). Collection method: clinical testing. Allele origin: germline.
Comment: This variant results in a copy number gain of the genomic region encompassing the full coding sequence of the POMT1 gene. The boundaries of this event are unknown as they extend beyond the assayed region for this gene and therefore may encompass additional genes. As the precise location of this event is unknown, it may be in tandem or it may be located elsewhere in the genome. This variant has not been reported in the literature in individuals with POMT1-related conditions. In summary, the available evidence is currently insufficient to determine the role of this variant in disease. Therefore, it has been classified as a Variant of Uncertain Significance.